The following is an entry in ClinVar:

NM_001165963.4(SCN1A):c.393C>G (p.Ser131Arg)

Gene: SCN1A (sodium voltage-gated channel alpha subunit 1; minus strand). Cytogenetic location: 2q24.3.
Variant type: single nucleotide variant.
Coding change: c.393C>G on transcript NM_001165963.4 (MANE Select); coding-DNA position 393, C replaced by G.
Protein change: p.Ser131Arg; replaces serine 131 with arginine.
Molecular consequence: missense variant. On other transcripts: 5 prime UTR variant (1), non-coding transcript variant (1).
Genome position (GRCh38, 1-based): chr2:166,056,491, G>C on the plus strand (C>G on the coding strand, the complement: SCN1A is on the minus strand). VCF-style: chr2-166056491-G-C. GRCh37 (hg19) VCF-style: chr2-166913001-G-C.
Other names: c.393C>G, p.Ser131Arg (NM_001165964.3, NM_001202435.3, NM_001353948.2 and 10 more transcripts); c.-2033C>G (NM_001353961.2); short protein forms S131R.
Identifiers: ClinVar variation 646033 (VCV000646033.9), dbSNP rs1574290971, ClinGen allele CA349076142.

ClinVar aggregate classification (germline): Uncertain significance (1 of 4 stars; one submission).

Conditions:
Early-infantile DEE. Also called: Early infantile epileptic encephalopathy with suppression bursts; Early infantile epileptic encephalopathy; Ohtahara syndrome. Identifiers: Orphanet 1934, MedGen C0393706, MONDO:0800491.

Submission:

Labcorp Genetics (formerly Invitae), Labcorp
Classification: Uncertain significance for Early-infantile DEE. Last evaluated: 2024-04-05. Review status: criteria provided, single submitter. Criteria: Invitae Variant Classification Sherloc (09022015). Collection method: clinical testing. Allele origin: germline.
Comment: This sequence change replaces serine, which is neutral and polar, with arginine, which is basic and polar, at codon 131 of the SCN1A protein (p.Ser131Arg). This variant is not present in population databases (gnomAD no frequency). This missense change has been observed in individual(s) with moderate ID, ataxia, stroke-like episodes, and seizure onset at 6 month (PMID: 27113213, 35074891). ClinVar contains an entry for this variant (Variation ID: 646033). Advanced modeling of protein sequence and biophysical properties (such as structural, functional, and spatial information, amino acid conservation, physicochemical variation, residue mobility, and thermodynamic stability) has been performed at Invitae for this missense variant, however the output from this modeling did not meet the statistical confidence thresholds required to predict the impact of this variant on SCN1A protein function. In summary, the available evidence is currently insufficient to determine the role of this variant in disease. Therefore, it has been classified as a Variant of Uncertain Significance.

Literature cited by the submitters: PubMed 27113213; PubMed 35074891.